The following is an entry in ClinVar:

NM_000053.4(ATP7B):c.2982T>C (p.Ala994=)

Gene: ATP7B (ATPase copper transporting beta; minus strand). Cytogenetic location: 13q14.3.
Variant type: single nucleotide variant.
Coding change: c.2982T>C on transcript NM_000053.4 (MANE Select); coding-DNA position 2982, T replaced by C.
Protein change: p.Ala994=; no amino-acid change (alanine 994 retained).
Molecular consequence: synonymous variant. On other transcripts: intron variant (6).
Genome position (GRCh38, 1-based): chr13:51,946,362, A>G on the plus strand (T>C on the coding strand, the complement: ATP7B is on the minus strand). VCF-style: chr13-51946362-A-G. GRCh37 (hg19) VCF-style: chr13-52520498-A-G.
Other names: c.2731-2071T>C (NM_001406535.1); c.2866-2071T>C (NM_001406525.1); c.2361T>C, p.Ala787= (NM_001005918.3); c.2649T>C, p.Ala883= (NM_001243182.2); c.2748T>C, p.Ala916= (NM_001330578.2, NM_001406527.1, NM_001406528.1 and 1 more transcripts); c.2730T>C, p.Ala910= (NM_001330579.2, NM_001406531.1, NM_001406532.1); c.2982T>C, p.Ala994= (NM_001406511.1, NM_001406512.1, NM_001406513.1 and 2 more transcripts); c.2949T>C, p.Ala983= (NM_001406514.1); and 18 more.
Identifiers: ClinVar variation 4873402 (VCV004873402.2).

ClinVar aggregate classification (germline): Likely benign (1 of 4 stars; one submission).

Submission:

CeGaT Center for Human Genetics Tuebingen
Classification: Likely benign. Last evaluated: 2026-05-01. Review status: criteria provided, single submitter. Criteria: CeGaT Center For Human Genetics Tuebingen Variant Classification Criteria Version 2. Collection method: clinical testing. Allele origin: germline. Affected: yes. Observed: 1 variant allele.
Comment: ATP7B: PM2:Supporting, BP4, BP7